The following is an entry in ClinVar:

NC_000002.12:g.(?_233316075)_(233316135_?)del

Gene: SAG (S-antigen visual arrestin; plus strand). Cytogenetic location: 2q37.1.
Variant type: Deletion.
Identifiers: ClinVar variation 831716 (VCV000831716.1).

ClinVar aggregate classification (germline): Pathogenic (1 of 4 stars; one submission).

Submission:

Labcorp Genetics (formerly Invitae), Labcorp
Classification: Pathogenic. Last evaluated: 2019-12-27. Review status: criteria provided, single submitter. Criteria: Invitae Variant Classification Sherloc (09022015). Collection method: clinical testing. Allele origin: germline.
Comment: This variant is an out-of-frame deletion of the genomic region encompassing exon 3 of the SAG gene. This is expected to create a premature translational stop signal and result in an absent or disrupted protein product. This variant has not been reported in the literature in individuals with SAG-related conditions. Loss-of-function variants in SAG are known to be pathogenic (PMID: 9452120, 15234147, 22665972). For these reasons, this variant has been classified as Pathogenic.